The following is an entry in ClinVar:

NM_002949.4(MRPL12):c.75-3T>C

Gene: MRPL12 (mitochondrial ribosomal protein L12; plus strand). Cytogenetic location: 17q25.3.
Variant type: single nucleotide variant.
Coding change: c.75-3T>C on transcript NM_002949.4 (MANE Select); 3 bases into the intron before coding-DNA position 75, T replaced by C.
Molecular consequence: intron variant.
Genome position (GRCh38, 1-based): chr17:81,704,241, T>C. VCF-style: chr17-81704241-T-C. GRCh37 (hg19) VCF-style: chr17-79671271-T-C.
Identifiers: ClinVar variation 3659139 (VCV003659139.2).

ClinVar aggregate classification (germline): Uncertain significance (1 of 4 stars; one submission).

Submission:

Labcorp Genetics (formerly Invitae), Labcorp
Classification: Uncertain significance. Last evaluated: 2024-07-10. Review status: criteria provided, single submitter. Criteria: Invitae Variant Classification Sherloc (09022015). Collection method: clinical testing. Allele origin: germline.
Comment: This sequence change falls in intron 1 of the MRPL12 gene. It does not directly change the encoded amino acid sequence of the MRPL12 protein. It affects a nucleotide within the consensus splice site. This variant is not present in population databases (gnomAD no frequency). This variant has not been reported in the literature in individuals affected with MRPL12-related conditions. Variants that disrupt the consensus splice site are a relatively common cause of aberrant splicing (PMID: 17576681, 9536098). Algorithms developed to predict the effect of sequence changes on RNA splicing suggest that this variant is not likely to affect RNA splicing. In summary, the available evidence is currently insufficient to determine the role of this variant in disease. Therefore, it has been classified as a Variant of Uncertain Significance.

Literature cited by the submitters: PubMed 17576681; PubMed 9536098.